The following is an entry in ClinVar:

NM_006005.3(WFS1):c.1737G>A (p.Leu579=)

Gene: WFS1 (wolframin ER transmembrane glycoprotein; plus strand). Cytogenetic location: 4p16.1.
Variant type: single nucleotide variant.
Coding change: c.1737G>A on transcript NM_006005.3 (MANE Select); coding-DNA position 1737, G replaced by A.
Protein change: p.Leu579=; no amino-acid change (leucine 579 retained).
Molecular consequence: synonymous variant.
Genome position (GRCh38, 1-based): chr4:6,301,532, G>A. VCF-style: chr4-6301532-G-A. GRCh37 (hg19) VCF-style: chr4-6303259-G-A.
Other names: c.1737G>A, p.Leu579= (NM_001145853.1).
Identifiers: ClinVar variation 1191375 (VCV001191375.10), dbSNP rs150970403, ClinGen allele CA2839465.

ClinVar aggregate classification (germline): Likely benign. Review status: criteria provided, multiple submitters, no conflicts (2 of 4 stars). 4 submissions from 4 submitters: Likely benign (3). 1 of the submissions does not count toward it. Last evaluated 2025-12-17.

Conditions:
WFS1-related disorder. Identifiers: MedGen CN379391, MONDO:0700293.

Allele frequency attached by ClinVar (database versions not stated): gnomAD exomes 0.00001 and 0.00003; ExAC 0.00004; gnomAD 0.00013 and 0.00014; TOPMed 0.00019; ESP Exome Variant Server 0.00023; 1000 Genomes Project 30x 0.00031; 1000 Genomes Project 0.00040.
gnomAD v4.1: 43 of 1,613,974 alleles (0.0027%); highest among the groups gnomAD compares: African/African-American, 0.043%; no homozygotes.

Submissions (4):

Labcorp Genetics (formerly Invitae), Labcorp
Classification: Likely benign. Last evaluated: 2025-12-17. Review status: criteria provided, single submitter. Criteria: Invitae Variant Classification Sherloc (09022015). Collection method: clinical testing. Allele origin: germline.

Blueprint Genetics
Classification: Likely benign. Last evaluated: 2023-06-26. Review status: criteria provided, single submitter. Criteria: ACMG Guidelines, 2015. Collection method: clinical testing. Allele origin: germline.

GeneDx
Classification: Likely benign. Last evaluated: 2021-03-06. Review status: criteria provided, single submitter. Criteria: GeneDx Variant Classification Process June 2021. Collection method: clinical testing. Allele origin: germline. Affected: yes.

PreventionGenetics, part of Exact Sciences
Classification: Likely benign for WFS1-related condition. Last evaluated: 2024-06-21. Review status: no assertion criteria provided. Collection method: clinical testing. Allele origin: germline. Not counted in ClinVar's aggregate classification.
Comment: This variant is classified as likely benign based on ACMG/AMP sequence variant interpretation guidelines (Richards et al. 2015 PMID: 25741868, with internal and published modifications).